The following is an entry in ClinVar:

NM_006390.4(IPO8):c.2597_2601del (p.Leu866fs)

Gene: IPO8 (importin 8; minus strand). Cytogenetic location: 12p11.21.
Variant type: Deletion.
Coding change: c.2597_2601del on transcript NM_006390.4 (MANE Select); coding-DNA positions 2597 to 2601, 5 bases deleted (TTTTC; older notation c.2597_2601delTTTTC).
Protein change: p.Leu866fs; shifts the reading frame from leucine 866.
Molecular consequence: frameshift variant.
Genome position (GRCh38, 1-based): chr12:30,637,076-30,637,080, GAAAA deleted on the plus strand (TTTTC on the coding strand, the reverse complement: IPO8 is on the minus strand); deleting any 5 consecutive bases within chr12:30,637,076-30,637,083 gives the same sequence; the c. name uses the placement nearest the transcript's 3' end. VCF-style (leftmost placement, unchanged base first): chr12-30637075-GGAAAA-G. GRCh37 (hg19) VCF-style: chr12-30790009-GGAAAA-G.
Other names: c.1982_1986del, p.Leu661fs (NM_001190995.2); short protein forms L661fs, L866fs.
Identifiers: ClinVar variation 1047912 (VCV001047912.3), dbSNP rs1565492786, ClinGen allele CA604479180.

ClinVar aggregate classification (germline): Pathogenic. Review status: criteria provided, single submitter (1 of 4 stars). 2 submissions from 2 submitters: Pathogenic (1). 1 of the submissions does not count toward it. Last evaluated 2021-03-18.

Conditions:
IPO8-related aortopathy.
VISS syndrome. Also called: VASCULAR ANEURYSM, IMMUNE DYSREGULATION, SKELETAL ANOMALIES, AND SKIN AND JOINT LAXITY. Identifiers: MedGen C5561955, MONDO:0859177, OMIM 619472.

Submissions (2):

Centre of Medical Genetics, University of Antwerp
Classification: Pathogenic for IPO8-related aortopathy. Last evaluated: 2021-03-18. Review status: criteria provided, single submitter. Criteria: ACMG Guidelines, 2015. Collection method: research. Allele origin: paternal. Affected: yes.
Comment: PVS1, PM2, PM3

OMIM
Classification: Pathogenic for VISS SYNDROME. Last evaluated: 2021-08-05. Review status: no assertion criteria provided. Collection method: literature only. Allele origin: germline. Not counted in ClinVar's aggregate classification.

Literature cited by the submitters: PubMed 34010605 (cited by Centre of Medical Genetics, University of Antwerp and OMIM).